The following is an entry in ClinVar:

NM_000718.4(CACNA1B):c.6395G>A (p.Arg2132His)

Gene: CACNA1B (calcium voltage-gated channel subunit alpha1 B; plus strand). Cytogenetic location: 9q34.3.
Variant type: single nucleotide variant.
Coding change: c.6395G>A on transcript NM_000718.4 (MANE Select); coding-DNA position 6395, G replaced by A.
Protein change: p.Arg2132His; replaces arginine 2132 with histidine.
Molecular consequence: missense variant.
Genome position (GRCh38, 1-based): chr9:138,120,787, G>A. VCF-style: chr9-138120787-G-A. GRCh37 (hg19) VCF-style: chr9-141015239-G-A.
Other names: c.6395G>A, p.Arg2132His (NM_001243812.2); short protein forms R2132H.
Identifiers: ClinVar variation 1981021 (VCV001981021.4), dbSNP rs772545539, ClinGen allele CA5377698.

ClinVar aggregate classification (germline): Uncertain significance (1 of 4 stars; one submission).

Allele frequency attached by ClinVar (database versions not stated): gnomAD exomes below 0.00001; TOPMed 0.00001; gnomAD 0.00002.
gnomAD v4.1: 7 of 1,554,670 alleles (0.00045%); highest among the groups gnomAD compares: African/African-American, 0.0055%; no homozygotes.

Submission:

Labcorp Genetics (formerly Invitae), Labcorp
Classification: Uncertain significance. Last evaluated: 2022-04-21. Review status: criteria provided, single submitter. Criteria: Invitae Variant Classification Sherloc (09022015). Collection method: clinical testing. Allele origin: germline.
Comment: This sequence change replaces arginine, which is basic and polar, with histidine, which is basic and polar, at codon 2132 of the CACNA1B protein (p.Arg2132His). This variant is not present in population databases (gnomAD no frequency). This variant has not been reported in the literature in individuals affected with CACNA1B-related conditions. Algorithms developed to predict the effect of missense changes on protein structure and function are either unavailable or do not agree on the potential impact of this missense change (SIFT: "Deleterious"; PolyPhen-2: "Probably Damaging"; Align-GVGD: "Class C0"). In summary, the available evidence is currently insufficient to determine the role of this variant in disease. Therefore, it has been classified as a Variant of Uncertain Significance.